The following is an entry in ClinVar:

NM_000219.6(KCNE1):c.337C>G (p.Leu113Val)

Gene: KCNE1 (potassium voltage-gated channel subfamily E regulatory subunit 1; minus strand). Cytogenetic location: 21q22.12.
Variant type: single nucleotide variant.
Coding change: c.337C>G on transcript NM_000219.6 (MANE Select); coding-DNA position 337, C replaced by G.
Protein change: p.Leu113Val; replaces leucine 113 with valine.
Molecular consequence: missense variant.
Genome position (GRCh38, 1-based): chr21:34,449,298, G>C on the plus strand (C>G on the coding strand, the complement: KCNE1 is on the minus strand). VCF-style: chr21-34449298-G-C. GRCh37 (hg19) VCF-style: chr21-35821596-G-C.
Other names: c.337C>G, p.Leu113Val (NM_001127668.4, NM_001127669.4, NM_001127670.4 and 4 more transcripts); short protein forms L113V.
Identifiers: ClinVar variation 1720782 (VCV001720782.7), dbSNP rs547023570, ClinGen allele CA410197989.

ClinVar aggregate classification (germline): Uncertain significance (1 of 4 stars; one submission).

Conditions:
Long QT syndrome (LQTS). Identifiers: MedGen C0023976, MeSH D008133, MONDO:0002442. Disease mechanism: loss of function. Inheritance: Various modes of inheritance.

Submissions (2):

Labcorp Genetics (formerly Invitae), Labcorp
Classification: Uncertain significance for Long QT syndrome. Last evaluated: 2022-07-25. Review status: criteria provided, single submitter. Criteria: Invitae Variant Classification Sherloc (09022015). Collection method: clinical testing. Allele origin: germline.
Comment: This sequence change replaces leucine, which is neutral and non-polar, with valine, which is neutral and non-polar, at codon 113 of the KCNE1 protein (p.Leu113Val). In summary, the available evidence is currently insufficient to determine the role of this variant in disease. Therefore, it has been classified as a Variant of Uncertain Significance. Algorithms developed to predict the effect of missense changes on protein structure and function output the following: SIFT: "Tolerated"; PolyPhen-2: "Benign"; Align-GVGD: "Class C0". The valine amino acid residue is found in multiple mammalian species, which suggests that this missense change does not adversely affect protein function. This variant has not been reported in the literature in individuals affected with KCNE1-related conditions. This variant is not present in population databases (gnomAD no frequency).

Roden Lab, Vanderbilt University Medical Center
No classification provided (evidence only). Condition: Long QT syndrome 5. Review status: no classification provided. Collection method: in vitro. Allele origin: not applicable. Functional consequence: Effect on ion channel function. Not counted in ClinVar's aggregate classification.
ClinVar note: "not provided" was previously submitted as the classification for the variant. However, the classification appeared to be based only on an observation of functional data so it was converted to no classification on 2025-07-30.